The following is an entry in ClinVar:

ClinVar aggregate classification (germline): Uncertain significance (1 of 4 stars; one submission).

Conditions:
Leukocyte adhesion deficiency 1 (LAD1). Also called: LEUKOCYTE ADHESION DEFICIENCY, TYPE I; LAD 1; Lymphocyte function-associated antigen 1 immunodeficiency; LFA 1 immunodeficiency. Identifiers: Orphanet 2968, Orphanet 99842, MedGen C0398738, MONDO:0007293, OMIM 116920.

Submission:

Labcorp Genetics (formerly Invitae), Labcorp
Classification: Uncertain significance for Leukocyte adhesion deficiency 1. Last evaluated: 2020-04-20. Review status: criteria provided, single submitter. Criteria: Invitae Variant Classification Sherloc (09022015). Collection method: clinical testing. Allele origin: germline.
Comment: This variant is not present in population databases (ExAC no frequency). In summary, the available evidence is currently insufficient to determine the role of this variant in disease. Therefore, it has been classified as a Variant of Uncertain Significance. Algorithms developed to predict the effect of sequence changes on RNA splicing suggest that this variant may create or strengthen a splice site, but this prediction has not been confirmed by published transcriptional studies. Algorithms developed to predict the effect of missense changes on protein structure and function (SIFT, PolyPhen-2, Align-GVGD) all suggest that this variant is likely to be disruptive, but these predictions have not been confirmed by published functional studies and their clinical significance is uncertain. This variant has been observed in individual(s) with leukocyte adhesion deficiency (LAD) type 1 (PMID: 27492259). This sequence change replaces aspartic acid with tyrosine at codon 134 of the ITGB2 protein (p.Asp134Tyr). The aspartic acid residue is highly conserved and there is a large physicochemical difference between aspartic acid and tyrosine.

Literature cited by the submitters: PubMed 27492259.

NM_000211.5(ITGB2):c.400G>T (p.Asp134Tyr)

Gene: ITGB2 (integrin subunit beta 2; minus strand). Cytogenetic location: 21q22.3.
Variant type: single nucleotide variant.
Coding change: c.400G>T on transcript NM_000211.5 (MANE Select); coding-DNA position 400, G replaced by T.
Protein change: p.Asp134Tyr; replaces aspartic acid 134 with tyrosine.
Molecular consequence: missense variant.
Genome position (GRCh38, 1-based): chr21:44,903,464, C>A on the plus strand (G>T on the coding strand, the complement: ITGB2 is on the minus strand). VCF-style: chr21-44903464-C-A. GRCh37 (hg19) VCF-style: chr21-46323379-C-A.
Other names: c.400G>T, p.Asp134Tyr (NM_001127491.3); c.193G>T, p.Asp65Tyr (NM_001303238.2); short protein forms D134Y, D65Y.
Identifiers: ClinVar variation 1045809 (VCV001045809.9), dbSNP rs745917556, ClinGen allele CA410478520.
Genomic context (GRCh38, chr21:44,903,464, plus strand): 5'-GCAGGTCGCCACCTAGCTTCTTGACATTCCTGAGGTCATCAAGCATGGAGTAGGAGAGGT[C>A]CATCAGATAGTACAGGTCGATGGGGTAGCCCTTGGCCCGCCGGAAGGTCACGTTGAACGC-3'
Protein context (NP_000202.3, residues 124-144): GYPIDLYYLM[Asp134Tyr]LSYSMLDDLR